The following is an entry in ClinVar:

ClinVar aggregate classification (germline): Uncertain significance (1 of 4 stars; one submission).

Submission:

Ambry Genetics
Classification: Uncertain significance. Last evaluated: 2024-03-13. Review status: criteria provided, single submitter. Criteria: Ambry Variant Classification Scheme 2023. Collection method: clinical testing. Allele origin: germline.
Comment: The p.G2195S variant (also known as c.6583G>A), located in coding exon 22 of the POLQ gene, results from a G to A substitution at nucleotide position 6583. The glycine at codon 2195 is replaced by serine, an amino acid with similar properties. This amino acid position is conserved. In addition, this alteration is predicted to be tolerated by in silico analysis. Based on the available evidence, the clinical significance of this alteration remains unclear.

NM_199420.4(POLQ):c.6583G>A (p.Gly2195Ser)

Gene: POLQ (DNA polymerase theta; minus strand). Cytogenetic location: 3q13.33.
Variant type: single nucleotide variant.
Coding change: c.6583G>A on transcript NM_199420.4 (MANE Select); coding-DNA position 6583, G replaced by A.
Protein change: p.Gly2195Ser; replaces glycine 2195 with serine.
Molecular consequence: missense variant.
Genome position (GRCh38, 1-based): chr3:121,472,125, C>T on the plus strand (G>A on the coding strand, the complement: POLQ is on the minus strand). VCF-style: chr3-121472125-C-T. GRCh37 (hg19) VCF-style: chr3-121190972-C-T.
Other names: short protein forms G2195S.
Identifiers: ClinVar variation 3230111 (VCV003230111.1), dbSNP rs2546773532, ClinGen allele CA354085537.